The following is an entry in ClinVar:

ClinVar aggregate classification (germline): Uncertain significance. Review status: criteria provided, multiple submitters, no conflicts (2 of 4 stars). 8 submissions from 8 submitters: Uncertain significance (8). Last evaluated 2026-08-06.

Conditions:
Spastic ataxia 5. Also called: Spastic Ataxia Type 5 (SPAX5). Identifiers: Orphanet 313772, MedGen C3280977, MONDO:0013776, OMIM 614487.
Optic atrophy 12. Also called: Optic Atrophy Type 12 (OPA12). Identifiers: MedGen C5436534, MONDO:0033549, OMIM 618977.

Allele frequency attached by ClinVar (database versions not stated): ExAC 0.00002; TOPMed 0.00003; gnomAD 0.00004 and 0.00005; gnomAD exomes 0.00004 and 0.00011; 1000 Genomes Project 30x 0.00016; 1000 Genomes Project 0.00020.

Submissions (8):

OLLIN Analises Genomicas, OLLIN
Classification: Uncertain significance for Optic atrophy 12. Last evaluated: 2026-08-06. Review status: criteria provided, single submitter. Criteria: ACMG Guidelines 2015 PMID 25741868. Collection method: clinical testing. Allele origin: germline. Inheritance: Autosomal dominant inheritance.
Comment: This missense variant, located in exon 8 (of 17), has been reported in ClinVar (accession VCV000446813.50) and in gnomAD with an allele frequency of 0.0105%. However, to our knowledge, it has not been reported in the scientific literature. In silico analysis is inconclusive regarding the impact of this variant. This gene is constrained for missense variation. According to the currently available evidence, this variant has been classified as uncertain significance (PP2, BS1).

Mayo Clinic Laboratories, Mayo Clinic
Classification: Uncertain significance. Last evaluated: 2025-01-17. Review status: criteria provided, single submitter. Criteria: ACMG Guidelines, 2015. Collection method: clinical testing. Allele origin: germline. Observed: 1 variant allele.

Blueprint Genetics
Classification: Uncertain significance. Last evaluated: 2024-07-05. Review status: criteria provided, single submitter. Criteria: ACMG Guidelines, 2015. Collection method: clinical testing. Allele origin: germline.

Labcorp Genetics (formerly Invitae), Labcorp
Classification: Uncertain significance. Last evaluated: 2024-02-25. Review status: criteria provided, single submitter. Criteria: Invitae Variant Classification Sherloc (09022015). Collection method: clinical testing. Allele origin: germline.
Comment: This sequence change replaces arginine, which is basic and polar, with tryptophan, which is neutral and slightly polar, at codon 280 of the AFG3L2 protein (p.Arg280Trp). This variant is present in population databases (rs180989155, gnomAD 0.01%). This variant has not been reported in the literature in individuals affected with AFG3L2-related conditions. ClinVar contains an entry for this variant (Variation ID: 446813). Advanced modeling of protein sequence and biophysical properties (such as structural, functional, and spatial information, amino acid conservation, physicochemical variation, residue mobility, and thermodynamic stability) has been performed at Invitae for this missense variant, however the output from this modeling did not meet the statistical confidence thresholds required to predict the impact of this variant on AFG3L2 protein function. In summary, the available evidence is currently insufficient to determine the role of this variant in disease. Therefore, it has been classified as a Variant of Uncertain Significance.

GeneDx
Classification: Uncertain significance. Last evaluated: 2023-09-18. Review status: criteria provided, single submitter. Criteria: GeneDx Variant Classification Process June 2021. Collection method: clinical testing. Allele origin: germline. Affected: yes.
Comment: In silico analysis supports that this missense variant has a deleterious effect on protein structure/function; Has not been previously published as pathogenic or benign to our knowledge

CeGaT Center for Human Genetics Tuebingen
Classification: Uncertain significance. Last evaluated: 2019-09-01. Review status: criteria provided, single submitter. Criteria: CeGaT Center For Human Genetics Tuebingen Variant Classification Criteria Version 2. Collection method: clinical testing. Allele origin: germline. Affected: yes. Observed: 1 variant allele.

Athena Diagnostics
Classification: Uncertain significance. Last evaluated: 2018-12-26. Review status: criteria provided, single submitter. Criteria: Athena Diagnostics Criteria. Collection method: clinical testing. Allele origin: germline.

Baylor Genetics
Classification: Uncertain significance for Spastic ataxia 5. Last evaluated: 2018-10-01. Review status: criteria provided, single submitter. Criteria: ACMG Guidelines, 2015. Collection method: clinical testing. Allele origin: maternal. Affected: yes.
Comment: This variant was determined to be of uncertain significance according to ACMG Guidelines, 2015 [PMID:25741868].

NM_006796.3(AFG3L2):c.838C>T (p.Arg280Trp)

Gene: AFG3L2 (AFG3 like matrix AAA peptidase subunit 2; minus strand). Cytogenetic location: 18p11.21.
Variant type: single nucleotide variant.
Coding change: c.838C>T on transcript NM_006796.3 (MANE Select); coding-DNA position 838, C replaced by T.
Protein change: p.Arg280Trp; replaces arginine 280 with tryptophan.
Molecular consequence: missense variant.
Genome position (GRCh38, 1-based): chr18:12,358,858, G>A on the plus strand (C>T on the coding strand, the complement: AFG3L2 is on the minus strand). VCF-style: chr18-12358858-G-A. GRCh37 (hg19) VCF-style: chr18-12358857-G-A.
Other names: short protein forms R280W.
Identifiers: ClinVar variation 446813 (VCV000446813.53), dbSNP rs180989155, ClinGen allele CA8896647.